The following is an entry in ClinVar:

NM_000760.4(CSF3R):c.2038G>A (p.Glu680Lys)

Gene: CSF3R (colony stimulating factor 3 receptor; minus strand). Cytogenetic location: 1p34.3.
Variant type: single nucleotide variant.
Coding change: c.2038G>A on transcript NM_000760.4 (MANE Select); coding-DNA position 2038, G replaced by A.
Protein change: p.Glu680Lys; replaces glutamic acid 680 with lysine.
Molecular consequence: missense variant.
Genome position (GRCh38, 1-based): chr1:36,467,232, C>T on the plus strand (G>A on the coding strand, the complement: CSF3R is on the minus strand). VCF-style: chr1-36467232-C-T. GRCh37 (hg19) VCF-style: chr1-36932833-C-T.
Other names: c.2038G>A, p.Glu680Lys (NM_156039.3, NM_172313.3); short protein forms E680K.
Identifiers: ClinVar variation 2756424 (VCV002756424.3), dbSNP rs756056579, ClinGen allele CA20742673.

ClinVar aggregate classification (germline): Uncertain significance (1 of 4 stars; one submission).

Conditions:
Autosomal recessive severe congenital neutropenia due to CSF3R deficiency. Also called: Neutropenia, severe congenital, 7, autosomal recessive. Identifiers: Orphanet 420702, MedGen C4310764, MONDO:0014865, OMIM 617014.

Allele frequency attached by ClinVar (database versions not stated): gnomAD exomes below 0.00001; TOPMed 0.00001.
gnomAD v4.1: 2 of 1,614,142 alleles (0.00012%); highest among the groups gnomAD compares: Non-Finnish European, 0.000085%; no homozygotes.

Submission:

Labcorp Genetics (formerly Invitae), Labcorp
Classification: Uncertain significance for Autosomal recessive severe congenital neutropenia due to CSF3R deficiency. Last evaluated: 2025-02-19. Review status: criteria provided, single submitter. Criteria: Invitae Variant Classification Sherloc (09022015). Collection method: clinical testing. Allele origin: germline.
Comment: This sequence change replaces glutamic acid, which is acidic and polar, with lysine, which is basic and polar, at codon 680 of the CSF3R protein (p.Glu680Lys). This variant is not present in population databases (gnomAD no frequency). This variant has not been reported in the literature in individuals affected with CSF3R-related conditions. ClinVar contains an entry for this variant (Variation ID: 2756424). An algorithm developed to predict the effect of missense changes on protein structure and function (PolyPhen-2) suggests that this variant is likely to be disruptive. In summary, the available evidence is currently insufficient to determine the role of this variant in disease. Therefore, it has been classified as a Variant of Uncertain Significance.